The following is an entry in ClinVar:

NM_000230.3(LEP):c.21C>T (p.Cys7=)

Gene: LEP (leptin; plus strand). Cytogenetic location: 7q32.1.
Variant type: single nucleotide variant.
Coding change: c.21C>T on transcript NM_000230.3 (MANE Select); coding-DNA position 21, C replaced by T.
Protein change: p.Cys7=; no amino-acid change (cysteine 7 retained).
Molecular consequence: synonymous variant.
Genome position (GRCh38, 1-based): chr7:128,252,039, C>T. VCF-style: chr7-128252039-C-T. GRCh37 (hg19) VCF-style: chr7-127892092-C-T.
Identifiers: ClinVar variation 358815 (VCV000358815.42), dbSNP rs201523305, ClinGen allele CA4469617.

ClinVar aggregate classification (germline): Conflicting classifications of pathogenicity. Review status: criteria provided, conflicting classifications (1 of 4 stars). 5 submissions from 5 submitters: Uncertain significance (2); Likely benign (2). 1 of the submissions does not count toward it. Last evaluated 2026-03-01.

Conditions:
LEP-related disorder. Also called: LEP-related condition.
Obesity due to congenital leptin deficiency. Also called: Leptin deficiency or dysfunction. Identifiers: Orphanet 66628, MedGen C3554224, MONDO:0013991, OMIM 614962.

Allele frequency attached by ClinVar (database versions not stated): ESP Exome Variant Server 0.00008; gnomAD 0.00010 and 0.00011; TOPMed 0.00010; ExAC 0.00011; gnomAD exomes 0.00013.
gnomAD v4.1: 331 of 1,614,050 alleles (0.021%); highest among the groups gnomAD compares: Admixed American, 0.033%; no homozygotes.

Submissions (5):

CeGaT Center for Human Genetics Tuebingen
Classification: Likely benign. Last evaluated: 2026-03-01. Review status: criteria provided, single submitter. Criteria: CeGaT Center For Human Genetics Tuebingen Variant Classification Criteria Version 2. Collection method: clinical testing. Allele origin: germline. Affected: yes. Observed: 2 variant alleles.
Comment: LEP: BP4, BP7

Labcorp Genetics (formerly Invitae), Labcorp
Classification: Likely benign. Last evaluated: 2026-01-12. Review status: criteria provided, single submitter. Criteria: Invitae Variant Classification Sherloc (09022015). Collection method: clinical testing. Allele origin: germline.

Eurofins Ntd Llc (ga)
Classification: Uncertain significance. Last evaluated: 2018-06-25. Review status: criteria provided, single submitter. Criteria: EGL ClinVar v180209 classification definitions. Collection method: clinical testing. Allele origin: germline. Observed: 1 variant allele, 1 heterozygote.

Illumina Laboratory Services, Illumina
Classification: Uncertain significance for Obesity due to congenital leptin deficiency. Last evaluated: 2018-01-12. Review status: criteria provided, single submitter. Criteria: ICSL Variant Classification Criteria 13 December 2019. Collection method: clinical testing. Allele origin: germline.

PreventionGenetics, part of Exact Sciences
Classification: Likely benign for LEP-related condition. Last evaluated: 2021-03-19. Review status: no assertion criteria provided. Collection method: clinical testing. Allele origin: germline. Not counted in ClinVar's aggregate classification.
Comment: This variant is classified as likely benign based on ACMG/AMP sequence variant interpretation guidelines (Richards et al. 2015 PMID: 25741868, with internal and published modifications).